The following is an entry in ClinVar:

ClinVar aggregate classification (germline): Pathogenic (1 of 4 stars; one submission).

Conditions:
Hereditary cancer-predisposing syndrome. Also called: Neoplastic Syndromes, Hereditary; Tumor predisposition; Hereditary Cancer Syndrome; Hereditary neoplastic syndrome. Identifiers: Orphanet 140162, MedGen C0027672, MeSH D009386, MONDO:0015356.

Submission:

Ambry Genetics
Classification: Pathogenic for Hereditary cancer-predisposing syndrome. Last evaluated: 2024-07-03. Review status: criteria provided, single submitter. Criteria: Ambry Variant Classification Scheme 2023. Collection method: clinical testing. Allele origin: germline.
Comment: The c.714delA variant, located in coding exon 6 of the APC gene, results from a deletion of one nucleotide at nucleotide position 714, causing a translational frameshift with a predicted alternate stop codon (p.A239Qfs*54). This variant has been observed in at least one individual with a personal and/or family history that is consistent with Familial Adenomatous Polyposis (FAP) (Ambry internal data). This variant is considered to be rare based on population cohorts in the Genome Aggregation Database (gnomAD). This alteration is expected to result in loss of function by premature protein truncation or nonsense-mediated mRNA decay. As such, this alteration is interpreted as a disease-causing mutation.

NM_000038.6(APC):c.714del (p.Ala239fs)

Gene: APC (APC regulator of Wnt signaling pathway; plus strand). Cytogenetic location: 5q22.2.
Variant type: Deletion.
Coding change: c.714del on transcript NM_000038.6 (MANE Select); coding-DNA position 714, one base deleted (A; older notation c.714delA).
Protein change: p.Ala239fs; shifts the reading frame from alanine 239.
Molecular consequence: frameshift variant. On other transcripts: 5 prime UTR variant (4), non-coding transcript variant (2), intron variant (5).
Genome position (GRCh38, 1-based): chr5:112,792,514, A deleted; the last of 2 consecutive A bases (chr5:112,792,513-112,792,514); deleting either gives the same sequence. VCF-style (leftmost placement, unchanged base first): chr5-112792512-CA-C. GRCh37 (hg19) VCF-style: chr5-112128209-CA-C.
Other names: c.714del, p.Ala239fs (NM_001407447.1, NM_001407448.1, NM_001407449.1 and 12 more transcripts); c.639del, p.Ala214fs (NM_001407451.1, NM_001354898.2, NM_001354904.2); c.537del, p.Ala180fs (NM_001407453.1, NM_001354900.2, NM_001354901.2 and 1 more transcripts); c.-322del (NM_001407470.1, NM_001407471.1, NM_001407472.1 and 1 more transcripts); c.646-8765del (NM_001407452.1, NM_001407469.1, NM_001354899.2 and 1 more transcripts); c.676-8765del (NM_001127511.3); c.744del, p.Ala249fs (NM_001354897.2, NM_001354902.2, NM_001407446.1); short protein forms A239fs, A249fs, A214fs, A180fs.
Identifiers: ClinVar variation 3409263 (VCV003409263.1).